The following is an entry in ClinVar:

NM_198253.3(TERT):c.2006G>C (p.Arg669Pro)

Gene: TERT (telomerase reverse transcriptase; minus strand). Cytogenetic location: 5p15.33.
Variant type: single nucleotide variant.
Coding change: c.2006G>C on transcript NM_198253.3 (MANE Select); coding-DNA position 2006, G replaced by C.
Protein change: p.Arg669Pro; replaces arginine 669 with proline.
Molecular consequence: missense variant. On other transcripts: non-coding transcript variant (2).
Genome position (GRCh38, 1-based): chr5:1,279,415, C>G on the plus strand (G>C on the coding strand, the complement: TERT is on the minus strand). VCF-style: chr5-1279415-C-G. GRCh37 (hg19) VCF-style: chr5-1279530-C-G.
Other names: c.2006G>C, p.Arg669Pro (NM_001193376.3); short protein forms R669P.
Identifiers: ClinVar variation 1465876 (VCV001465876.6), dbSNP rs1749858434, ClinGen allele CA359080706.

ClinVar aggregate classification (germline): Uncertain significance (1 of 4 stars; one submission).

Conditions:
Dyskeratosis congenita, autosomal dominant 2. Identifiers: MedGen C3151443, MONDO:0013521, OMIM 613989.
Idiopathic Pulmonary Fibrosis. Also called: Idiopathic fibrosing alveolitis, chronic form; idiopathic fibrosing alveolitis. Identifiers: Orphanet 2032, MedGen C1800706, MeSH D054990, MONDO:0800504.

Submission:

Labcorp Genetics (formerly Invitae), Labcorp
Classification: Uncertain significance for Dyskeratosis congenita, autosomal dominant 2; Idiopathic Pulmonary Fibrosis. Last evaluated: 2021-08-30. Review status: criteria provided, single submitter. Criteria: Invitae Variant Classification Sherloc (09022015). Collection method: clinical testing. Allele origin: germline.
Comment: This sequence change replaces arginine with proline at codon 669 of the TERT protein (p.Arg669Pro). The arginine residue is moderately conserved and there is a moderate physicochemical difference between arginine and proline. The frequency data for this variant in the population databases is considered unreliable, as metrics indicate insufficient coverage at this position in the ExAC database. This variant has not been reported in the literature in individuals affected with TERT-related conditions. Advanced modeling of protein sequence and biophysical properties (such as structural, functional, and spatial information, amino acid conservation, physicochemical variation, residue mobility, and thermodynamic stability) performed at Invitae indicates that this missense variant is expected to disrupt TERT protein function. In summary, the available evidence is currently insufficient to determine the role of this variant in disease. Therefore, it has been classified as a Variant of Uncertain Significance.